The following is an entry in ClinVar:

ClinVar aggregate classification (germline): Uncertain significance (1 of 4 stars; one submission).

Conditions:
SF3B2-related disorder. Also called: SF3B2-related condition.

Submission:

PreventionGenetics, part of Exact Sciences
Classification: Uncertain significance for SF3B2-related condition. Last evaluated: 2023-09-21. Review status: criteria provided, single submitter. Criteria: ACMG Guidelines, 2015. Collection method: clinical testing. Allele origin: germline.
Comment: The SF3B2 c.1397A>G variant is predicted to result in the amino acid substitution p.Lys466Arg. To our knowledge, this variant has not been reported in the literature or in a large population database, indicating this variant is rare. At this time, the clinical significance of this variant is uncertain due to the absence of conclusive functional and genetic evidence.

NM_006842.3(SF3B2):c.1397A>G (p.Lys466Arg)

Gene: SF3B2 (splicing factor 3b subunit 2; plus strand). Cytogenetic location: 11q13.1.
Variant type: single nucleotide variant.
Coding change: c.1397A>G on transcript NM_006842.3 (MANE Select); coding-DNA position 1397, A replaced by G.
Protein change: p.Lys466Arg; replaces lysine 466 with arginine.
Molecular consequence: missense variant.
Genome position (GRCh38, 1-based): chr11:66,059,591, A>G. VCF-style: chr11-66059591-A-G. GRCh37 (hg19) VCF-style: chr11-65827062-A-G.
Other names: short protein forms K466R.
Identifiers: ClinVar variation 2630814 (VCV002630814.1), dbSNP rs2496012280, ClinGen allele CA381380816.